The following is an entry in ClinVar:

NM_002661.5(PLCG2):c.3727C>T (p.Gln1243Ter)

Gene: PLCG2 (phospholipase C gamma 2; plus strand). Cytogenetic location: 16q23.3.
Variant type: single nucleotide variant.
Coding change: c.3727C>T on transcript NM_002661.5 (MANE Select); coding-DNA position 3727, C replaced by T.
Protein change: p.Gln1243Ter; replaces glutamine 1243 with a stop codon.
Molecular consequence: nonsense.
Genome position (GRCh38, 1-based): chr16:81,956,851, C>T. VCF-style: chr16-81956851-C-T. GRCh37 (hg19) VCF-style: chr16-81990456-C-T.
Other names: c.3727C>T, p.Gln1243Ter (NM_001425749.1, NM_001425750.1, NM_001425751.1); short protein forms Q1243*.
Identifiers: ClinVar variation 3897994 (VCV003897994.1).

ClinVar aggregate classification (germline): Uncertain significance (1 of 4 stars; one submission).

Conditions:
Autoinflammation-PLCG2-associated antibody deficiency-immune dysregulation. Also called: Autoinflammation, antibody deficiency, and immune dysregulation syndrome; Autoinflammation, antibody deficiency, and immune dysregulation, plcg2-associated; AUTOINFLAMMATION, ANTIBODY DEFICIENCY, AND IMMUNE DYSREGULATION. Identifiers: Orphanet 324530, MedGen C3553961, MONDO:0013944, OMIM 614878.

gnomAD v4.1: 4 of 1,613,882 alleles (0.00025%); highest among the groups gnomAD compares: Middle Eastern, 0.017%; no homozygotes.

Submission:

Neuberg Centre For Genomic Medicine, NCGM
Classification: Uncertain significance for Autoinflammation-PLCG2-associated antibody deficiency-immune dysregulation. Last evaluated: 2024-02-01. Review status: criteria provided, single submitter. Criteria: ACMG Guidelines, 2015. Collection method: clinical testing. Allele origin: germline. Inheritance: Autosomal dominant inheritance.
Comment: The above variant has not been reported previously as a pathogenic variant nor as a benign variant, to our knowledge.